The following is an entry in ClinVar:

NM_030665.4(RAI1):c.1942G>A (p.Ala648Thr)

Gene: RAI1 (retinoic acid induced 1; plus strand). Cytogenetic location: 17p11.2.
Variant type: single nucleotide variant.
Coding change: c.1942G>A on transcript NM_030665.4 (MANE Select); coding-DNA position 1942, G replaced by A.
Protein change: p.Ala648Thr; replaces alanine 648 with threonine.
Molecular consequence: missense variant.
Genome position (GRCh38, 1-based): chr17:17,794,890, G>A. VCF-style: chr17-17794890-G-A. GRCh37 (hg19) VCF-style: chr17-17698204-G-A.
Other names: short protein forms A648T.
Identifiers: ClinVar variation 3429966 (VCV003429966.4).

ClinVar aggregate classification (germline): Uncertain significance. Review status: criteria provided, multiple submitters, no conflicts (2 of 4 stars). 3 submissions from 3 submitters: Uncertain significance (3). Last evaluated 2025-12-23.

Conditions:
RAI1-related disorder. Also called: RAI1-related condition.
Inborn genetic diseases. Identifiers: MedGen C0950123, MeSH D030342.

gnomAD v4.1: 25 of 1,613,456 alleles (0.0015%); highest among the groups gnomAD compares: Middle Eastern, 0.016%; no homozygotes.

Submissions (3):

PreventionGenetics, part of Exact Sciences
Classification: Uncertain significance for RAI1-related condition. Last evaluated: 2025-12-23. Review status: criteria provided, single submitter. Criteria: ACMG Guidelines, 2015. Collection method: clinical testing. Allele origin: germline.
Comment: The RAI1 c.1942G>A variant is predicted to result in the amino acid substitution p.Ala648Thr. To our knowledge, this variant has not been reported in the literature. This variant is reported in 0.0054% of alleles in individuals of East Asian descent in gnomAD. At this time, the clinical significance of this variant is uncertain due to the absence of conclusive functional and genetic evidence.

Labcorp Genetics (formerly Invitae), Labcorp
Classification: Uncertain significance. Last evaluated: 2025-03-19. Review status: criteria provided, single submitter. Criteria: Invitae Variant Classification Sherloc (09022015). Collection method: clinical testing. Allele origin: germline.
Comment: This sequence change replaces alanine, which is neutral and non-polar, with threonine, which is neutral and polar, at codon 648 of the RAI1 protein (p.Ala648Thr). This variant is not present in population databases (gnomAD no frequency). This variant has not been reported in the literature in individuals affected with RAI1-related conditions. ClinVar contains an entry for this variant (Variation ID: 3429966). Invitae Evidence Modeling of protein sequence and biophysical properties (such as structural, functional, and spatial information, amino acid conservation, physicochemical variation, residue mobility, and thermodynamic stability) indicates that this missense variant is not expected to disrupt RAI1 protein function with a negative predictive value of 80%. In summary, the available evidence is currently insufficient to determine the role of this variant in disease. Therefore, it has been classified as a Variant of Uncertain Significance.

Ambry Genetics
Classification: Uncertain significance for Inborn genetic diseases. Last evaluated: 2024-08-01. Review status: criteria provided, single submitter. Criteria: Ambry Variant Classification Scheme 2023. Collection method: clinical testing. Allele origin: germline.